The following is an entry in ClinVar:

ClinVar aggregate classification (germline): Uncertain significance. Review status: criteria provided, multiple submitters, no conflicts (2 of 4 stars). 4 submissions from 4 submitters: Uncertain significance (4). Last evaluated 2023-04-11.

Conditions:
Hereditary insensitivity to pain with anhidrosis (CIPA). Also called: FAMILIAL DYSAUTONOMIA, TYPE II; NEUROPATHY, CONGENITAL SENSORY, WITH ANHIDROSIS; INSENSITIVITY TO PAIN, CONGENITAL, WITH ANHIDROSIS; hereditary sensory and autonomic neuropathy type 4; HSAN Type IV; NTRK1 Congenital Insensitivity to Pain with Anhidrosis. Identifiers: Orphanet 642, MedGen C0020074, MONDO:0009746, OMIM 256800.

Allele frequency attached by ClinVar (database versions not stated): TOPMed below 0.00001; gnomAD 0.00001 and 0.00006; gnomAD exomes 0.00001 and 0.00007; ExAC 0.00002; 1000 Genomes Project 30x 0.00047; 1000 Genomes Project 0.00060.
gnomAD v4.1: 114 of 1,614,116 alleles (0.0071%); highest among the groups gnomAD compares: East Asian, 0.25%; no homozygotes.

Submissions (4):

Genome-Nilou Lab
Classification: Uncertain significance for Hereditary insensitivity to pain with anhidrosis. Last evaluated: 2023-04-11. Review status: criteria provided, single submitter. Criteria: ACMG Guidelines, 2015. Collection method: clinical testing. Allele origin: germline. Affected: no.

Department of Pathology and Laboratory Medicine, Sinai Health System
Classification: Uncertain significance for Hereditary insensitivity to pain with anhidrosis. Last evaluated: 2022-06-27. Review status: criteria provided, single submitter. Criteria: ACMG Guidelines, 2015. Collection method: research. Allele origin: germline.

Labcorp Genetics (formerly Invitae), Labcorp
Classification: Uncertain significance for Hereditary insensitivity to pain with anhidrosis. Last evaluated: 2022-06-10. Review status: criteria provided, single submitter. Criteria: Invitae Variant Classification Sherloc (09022015). Collection method: clinical testing. Allele origin: germline.
Comment: This sequence change replaces glycine, which is neutral and non-polar, with serine, which is neutral and polar, at codon 89 of the NTRK1 protein (p.Gly89Ser). This variant is present in population databases (rs2274496, gnomAD 0.01%). This variant has not been reported in the literature in individuals affected with NTRK1-related conditions. ClinVar contains an entry for this variant (Variation ID: 876594). Advanced modeling of protein sequence and biophysical properties (such as structural, functional, and spatial information, amino acid conservation, physicochemical variation, residue mobility, and thermodynamic stability) performed at Invitae indicates that this missense variant is not expected to disrupt NTRK1 protein function. Algorithms developed to predict the effect of sequence changes on RNA splicing suggest that this variant may create or strengthen a splice site. In summary, the available evidence is currently insufficient to determine the role of this variant in disease. Therefore, it has been classified as a Variant of Uncertain Significance.

Illumina Laboratory Services, Illumina
Classification: Uncertain significance for Hereditary insensitivity to pain with anhidrosis. Last evaluated: 2018-01-13. Review status: criteria provided, single submitter. Criteria: ICSL Variant Classification Criteria 13 December 2019. Collection method: clinical testing. Allele origin: germline.

NM_002529.4(NTRK1):c.265G>A (p.Gly89Ser)

Gene: NTRK1 (neurotrophic receptor tyrosine kinase 1; plus strand). Cytogenetic location: 1q23.1.
Variant type: single nucleotide variant.
Coding change: c.265G>A on transcript NM_002529.4 (MANE Select); coding-DNA position 265, G replaced by A.
Protein change: p.Gly89Ser; replaces glycine 89 with serine.
Molecular consequence: missense variant.
Genome position (GRCh38, 1-based): chr1:156,864,406, G>A. VCF-style: chr1-156864406-G-A. GRCh37 (hg19) VCF-style: chr1-156834198-G-A.
Other names: c.175G>A, p.Gly59Ser (NM_001007792.1); c.265G>A, p.Gly89Ser (NM_001012331.2); short protein forms G59S, G89S.
Identifiers: ClinVar variation 876594 (VCV000876594.8), dbSNP rs2274496, ClinGen allele CA1168872.